The following is an entry in ClinVar:

NM_001287491.2(TET3):c.5243dup (p.Thr1749fs)

Gene: TET3 (tet methylcytosine dioxygenase 3; plus strand). Cytogenetic location: 2p13.1.
Variant type: Duplication.
Coding change: c.5243dup on transcript NM_001287491.2 (MANE Select); coding-DNA position 5243, one base duplicated (G; older notation c.5243dupG).
Protein change: p.Thr1749fs; shifts the reading frame from threonine 1749.
Molecular consequence: frameshift variant.
Genome position (GRCh38, 1-based): chr2:74,102,031, G duplicated; the last of 7 consecutive G bases (chr2:74,102,025-74,102,031); duplicating any one gives the same sequence. VCF-style (leftmost placement, unchanged base first): chr2-74102024-T-TG. GRCh37 (hg19) VCF-style: chr2-74329151-T-TG.
Other names: c.4838dupG (NM_144993.1); c.4964dup, p.Thr1656fs (NM_001366022.1); short protein forms T1749fs, T1656fs.
Identifiers: ClinVar variation 2289328 (VCV002289328.3), dbSNP rs759623160, ClinGen allele CA1719375.

ClinVar aggregate classification (germline): Conflicting classifications of pathogenicity. Review status: criteria provided, conflicting classifications (1 of 4 stars). 2 submissions from 2 submitters: Pathogenic (1); Uncertain significance (1). Last evaluated 2025-03-19.

Conditions:
Inborn genetic diseases. Identifiers: MedGen C0950123, MeSH D030342.
Beck-Fahrner syndrome (BEFAHRS). Identifiers: Orphanet 684216, MedGen C5394097, MONDO:0032922, OMIM 618798.

Submissions (2):

Department of Human Genetics, University Hospital Bern, Inselspital
Classification: Pathogenic for Beck-Fahrner syndrome. Last evaluated: 2025-03-19. Review status: criteria provided, single submitter. Criteria: ACMG Guidelines, 2015. Collection method: clinical testing. Allele origin: de novo. Inheritance: Autosomal dominant inheritance. Affected: yes. Observed: 1 heterozygote.
Comment: This frameshift variant in the TET3 gene is classified as pathogenic according to ACMG criteria. It leads to a premature stop codon in the last exon of the gene and, as a consequence, very likely to a truncated protein with complete or significant loss of function (no nonsense-mediated mRNA decay). This results in the loss of several binding sites for protein substrates. The variant is listed in gnomAD v4.1 with an average frequency of 0.007%. The study of the variant by LaFlamme et al. showed that it leads to an episignature specific for Beck-Fahrner syndrome.

Ambry Genetics
Classification: Uncertain significance for Inborn genetic diseases. Last evaluated: 2022-07-08. Review status: criteria provided, single submitter. Criteria: Ambry Variant Classification Scheme 2023. Collection method: clinical testing. Allele origin: germline.
Comment: Not expected to trigger nonsense-mediated mRNA decay Based on insufficient or conflicting evidence, the clinical significance of this alteration remains unclear.

Literature cited by the submitters: PubMed 39107278 (cited by Department of Human Genetics, University Hospital Bern, Inselspital).